The following is an entry in ClinVar:

NM_033448.3(KRT71):c.1403G>A (p.Arg468Gln)

Gene: KRT71 (keratin 71; minus strand). Cytogenetic location: 12q13.13.
Variant type: single nucleotide variant.
Coding change: c.1403G>A on transcript NM_033448.3 (MANE Select); coding-DNA position 1403, G replaced by A.
Protein change: p.Arg468Gln; replaces arginine 468 with glutamine.
Molecular consequence: missense variant.
Genome position (GRCh38, 1-based): chr12:52,544,701, C>T on the plus strand (G>A on the coding strand, the complement: KRT71 is on the minus strand). VCF-style: chr12-52544701-C-T. GRCh37 (hg19) VCF-style: chr12-52938485-C-T.
Other names: short protein forms R468Q.
Identifiers: ClinVar variation 2189927 (VCV002189927.4), dbSNP rs138525386, ClinGen allele CA6583051.

ClinVar aggregate classification (germline): Uncertain significance (1 of 4 stars; one submission).

Allele frequency attached by ClinVar (database versions not stated): gnomAD 0.00003; gnomAD exomes 0.00003; ExAC 0.00004; TOPMed 0.00005; ESP Exome Variant Server 0.00015.
gnomAD v4.1: 56 of 1,612,202 alleles (0.0035%); highest among the groups gnomAD compares: Middle Eastern, 0.017%; no homozygotes.

Submission:

Labcorp Genetics (formerly Invitae), Labcorp
Classification: Uncertain significance. Last evaluated: 2025-05-12. Review status: criteria provided, single submitter. Criteria: Invitae Variant Classification Sherloc (09022015). Collection method: clinical testing. Allele origin: germline.
Comment: This sequence change replaces arginine, which is basic and polar, with glutamine, which is neutral and polar, at codon 468 of the KRT71 protein (p.Arg468Gln). This variant is present in population databases (rs138525386, gnomAD 0.01%). This variant has not been reported in the literature in individuals affected with KRT71-related conditions. ClinVar contains an entry for this variant (Variation ID: 2189927). Invitae Evidence Modeling of protein sequence and biophysical properties (such as structural, functional, and spatial information, amino acid conservation, physicochemical variation, residue mobility, and thermodynamic stability) indicates that this missense variant is not expected to disrupt KRT71 protein function with a negative predictive value of 80%. In summary, the available evidence is currently insufficient to determine the role of this variant in disease. Therefore, it has been classified as a Variant of Uncertain Significance.